The following is an entry in ClinVar:

NM_000719.7(CACNA1C):c.3752T>C (p.Met1251Thr)

Gene: CACNA1C (calcium voltage-gated channel subunit alpha1 C; plus strand). Cytogenetic location: 12p13.33.
Variant type: single nucleotide variant.
Coding change: c.3752T>C on transcript NM_000719.7 (MANE Select); coding-DNA position 3752, T replaced by C.
Protein change: p.Met1251Thr; replaces methionine 1251 with threonine.
Molecular consequence: missense variant.
Genome position (GRCh38, 1-based): chr12:2,611,937, T>C. VCF-style: chr12-2611937-T-C. GRCh37 (hg19) VCF-style: chr12-2721103-T-C.
Other names: c.3752T>C, p.Met1251Thr (NM_001129837.2, NM_001129838.2, NM_001129839.2 and 15 more transcripts); c.3743T>C, p.Met1248Thr (NM_001129844.2); c.3812T>C, p.Met1271Thr (NM_199460.4, NM_001129827.2, NM_001129832.2); c.3752T>C (NM_000719.6); short protein forms M1248T, M1251T, M1271T.
Identifiers: ClinVar variation 1677906 (VCV001677906.3), dbSNP rs1431157754, ClinGen allele CA383377169.

ClinVar aggregate classification (germline): Uncertain significance. Review status: criteria provided, multiple submitters, no conflicts (2 of 4 stars). 3 submissions from 3 submitters: Uncertain significance (3). Last evaluated 2026-07-01.

Conditions:
Cardiovascular phenotype. Identifiers: MedGen CN230736.
Long QT syndrome (LQTS). Identifiers: MedGen C0023976, MeSH D008133, MONDO:0002442. Disease mechanism: loss of function. Inheritance: Various modes of inheritance.

Allele frequency attached by ClinVar (database versions not stated): gnomAD exomes below 0.00001 and 0.00001; gnomAD 0.00002; TOPMed below 0.00001.

Submissions (3):

Ambry Genetics
Classification: Uncertain significance for Cardiovascular phenotype. Last evaluated: 2026-07-01. Review status: criteria provided, single submitter. Criteria: Ambry Variant Classification Scheme 2023. Collection method: clinical testing. Allele origin: germline.
Comment: The p.M1251T variant (also known as c.3752T>C), located in coding exon 29 of the CACNA1C gene, results from a T to C substitution at nucleotide position 3752. The methionine at codon 1251 is replaced by threonine, an amino acid with similar properties. This amino acid position is conserved. In addition, this alteration is predicted to be deleterious by in silico analysis. Based on the available evidence, the clinical significance of this variant remains unclear.

Labcorp Genetics (formerly Invitae), Labcorp
Classification: Uncertain significance for Long QT syndrome. Last evaluated: 2025-01-14. Review status: criteria provided, single submitter. Criteria: Invitae Variant Classification Sherloc (09022015). Collection method: clinical testing. Allele origin: germline.
Comment: This sequence change replaces methionine, which is neutral and non-polar, with threonine, which is neutral and polar, at codon 1251 of the CACNA1C protein (p.Met1251Thr). This variant is present in population databases (no rsID available, gnomAD 0.0009%). This variant has not been reported in the literature in individuals affected with CACNA1C-related conditions. ClinVar contains an entry for this variant (Variation ID: 1677906). Invitae Evidence Modeling of protein sequence and biophysical properties (such as structural, functional, and spatial information, amino acid conservation, physicochemical variation, residue mobility, and thermodynamic stability) indicates that this missense variant is expected to disrupt CACNA1C protein function with a positive predictive value of 95%. In summary, the available evidence is currently insufficient to determine the role of this variant in disease. Therefore, it has been classified as a Variant of Uncertain Significance.

AiLife Diagnostics
Classification: Uncertain significance. Last evaluated: 2022-02-08. Review status: criteria provided, single submitter. Criteria: ACMG Guidelines, 2015. Collection method: clinical testing. Allele origin: germline. Affected: yes. Observed: 1 variant allele.